The following is an entry in ClinVar:

ClinVar aggregate classification (germline): Uncertain significance (1 of 4 stars; one submission).

Submission:

Labcorp Genetics (formerly Invitae), Labcorp
Classification: Uncertain significance. Last evaluated: 2022-06-10. Review status: criteria provided, single submitter. Criteria: Invitae Variant Classification Sherloc (09022015). Collection method: clinical testing. Allele origin: germline.
Comment: This variant is not present in population databases (gnomAD no frequency). This variant has not been reported in the literature in individuals affected with PLK4-related conditions. Algorithms developed to predict the effect of missense changes on protein structure and function output the following: SIFT: "Tolerated"; PolyPhen-2: "Benign"; Align-GVGD: "Class C0". The valine amino acid residue is found in multiple mammalian species, which suggests that this missense change does not adversely affect protein function. In summary, the available evidence is currently insufficient to determine the role of this variant in disease. Therefore, it has been classified as a Variant of Uncertain Significance. This sequence change replaces leucine, which is neutral and non-polar, with valine, which is neutral and non-polar, at codon 851 of the PLK4 protein (p.Leu851Val).

NM_014264.5(PLK4):c.2551C>G (p.Leu851Val)

Gene: PLK4 (polo like kinase 4; plus strand). Cytogenetic location: 4q28.1.
Variant type: single nucleotide variant.
Coding change: c.2551C>G on transcript NM_014264.5 (MANE Select); coding-DNA position 2551, C replaced by G.
Protein change: p.Leu851Val; replaces leucine 851 with valine.
Molecular consequence: missense variant.
Genome position (GRCh38, 1-based): chr4:127,893,870, C>G. VCF-style: chr4-127893870-C-G. GRCh37 (hg19) VCF-style: chr4-128815025-C-G.
Other names: c.2455C>G, p.Leu819Val (NM_001190799.2); c.2428C>G, p.Leu810Val (NM_001190801.2); short protein forms L851V, L810V, L819V.
Identifiers: ClinVar variation 2050409 (VCV002050409.4), dbSNP rs1735461371, ClinGen allele CA358162879.
Genomic context (GRCh38, chr4:127,893,870, plus strand): 5'-AGAGCATCTTTCAACAGAATGGTCATGCATAGTGCTGCTTCTCCAACACAGGCACCAATC[C>G]TTAATCCCTCTGTAAGTAAATATATGTCACTTCTGTACTTTAAACCTTTCAATGATTGCC-3'
Protein context (NP_055079.3, residues 841-861): SAASPTQAPI[Leu851Val]NPSMVTNEGL